The following is an entry in ClinVar:

ClinVar aggregate classification (germline): Uncertain significance (1 of 4 stars; one submission).

Conditions:
Hypercholesterolemia, familial, 4 (FHCL4). Also called: HYPERCHOLESTEROLEMIA, AUTOSOMAL RECESSIVE, 1; HYPERCHOLESTEROLEMIA, AUTOSOMAL RECESSIVE, 2. Identifiers: Orphanet 391665, MedGen C1863512, MONDO:0011374, OMIM 603813.

Allele frequency attached by ClinVar (database versions not stated): gnomAD 0.00002; gnomAD exomes 0.00004; ExAC 0.00012.
gnomAD v4.1: 56 of 1,613,822 alleles (0.0035%); highest among the groups gnomAD compares: South Asian, 0.059%; 1 homozygote.

Submission:

Labcorp Genetics (formerly Invitae), Labcorp
Classification: Uncertain significance for Hypercholesterolemia, familial, 4. Last evaluated: 2022-07-12. Review status: criteria provided, single submitter. Criteria: Invitae Variant Classification Sherloc (09022015). Collection method: clinical testing. Allele origin: germline.
Comment: This sequence change replaces glycine, which is neutral and non-polar, with aspartic acid, which is acidic and polar, at codon 244 of the LDLRAP1 protein (p.Gly244Asp). This variant is present in population databases (rs748256604, gnomAD 0.06%). This variant has not been reported in the literature in individuals affected with LDLRAP1-related conditions. Algorithms developed to predict the effect of missense changes on protein structure and function (SIFT, PolyPhen-2, Align-GVGD) all suggest that this variant is likely to be tolerated. In summary, the available evidence is currently insufficient to determine the role of this variant in disease. Therefore, it has been classified as a Variant of Uncertain Significance.

NM_015627.3(LDLRAP1):c.731G>A (p.Gly244Asp)

Gene: LDLRAP1 (low density lipoprotein receptor adaptor protein 1; plus strand). Cytogenetic location: 1p36.11.
Variant type: single nucleotide variant.
Coding change: c.731G>A on transcript NM_015627.3 (MANE Select); coding-DNA position 731, G replaced by A.
Protein change: p.Gly244Asp; replaces glycine 244 with aspartic acid.
Molecular consequence: missense variant.
Genome position (GRCh38, 1-based): chr1:25,563,775, G>A. VCF-style: chr1-25563775-G-A. GRCh37 (hg19) VCF-style: chr1-25890266-G-A.
Other names: short protein forms G244D.
Identifiers: ClinVar variation 2417966 (VCV002417966.5), dbSNP rs748256604, ClinGen allele CA695702.
Genomic context (GRCh38, chr1:25,563,775, plus strand): 5'-CCACGGTCAGCGCCAACACCACCAACATGGACGAGGTGCCGCGGCCACAAGCCTTGAGTG[G>A]CAGCAGTGTTGTCTGGGTGAGTGGTTGTGTGGCCAGCAGATCGGTGATCCTCAGCCTGAC-3'
Protein context (NP_056442.2, residues 234-254): DEVPRPQALS[Gly244Asp]SSVVWELDDG